The following is an entry in ClinVar:

ClinVar aggregate classification (germline): Uncertain significance (1 of 4 stars; one submission).

gnomAD v4.1: 3 of 1,613,156 alleles (0.00019%); highest among the groups gnomAD compares: Non-Finnish European, 0.00025%; no homozygotes.

Submission:

Labcorp Genetics (formerly Invitae), Labcorp
Classification: Uncertain significance. Last evaluated: 2025-05-13. Review status: criteria provided, single submitter. Criteria: Invitae Variant Classification Sherloc (09022015). Collection method: clinical testing. Allele origin: germline.
Comment: This sequence change falls in intron 18 of the DUOX2 gene. It does not directly change the encoded amino acid sequence of the DUOX2 protein. It affects a nucleotide within the consensus splice site. This variant is not present in population databases (gnomAD no frequency). This variant has not been reported in the literature in individuals affected with DUOX2-related conditions. Variants that disrupt the consensus splice site are a relatively common cause of aberrant splicing (PMID: 17576681, 9536098). Algorithms developed to predict the effect of sequence changes on RNA splicing suggest that this variant is not likely to affect RNA splicing. In summary, the available evidence is currently insufficient to determine the role of this variant in disease. Therefore, it has been classified as a Variant of Uncertain Significance.

Literature cited by the submitters: PubMed 17576681; PubMed 9536098.

NM_001363711.2(DUOX2):c.2335-3C>A

Gene: DUOX2 (dual oxidase 2; minus strand). Cytogenetic location: 15q21.1.
Variant type: single nucleotide variant.
Coding change: c.2335-3C>A on transcript NM_001363711.2 (MANE Select); 3 bases into the intron before coding-DNA position 2335, C replaced by A.
Molecular consequence: intron variant.
Genome position (GRCh38, 1-based): chr15:45,104,368, G>T on the plus strand (C>A on the coding strand, the complement: DUOX2 is on the minus strand). VCF-style: chr15-45104368-G-T. GRCh37 (hg19) VCF-style: chr15-45396566-G-T.
Other names: c.2335-3C>A (NM_014080.5).
Identifiers: ClinVar variation 4718320 (VCV004718320.1).